The following is an entry in ClinVar:

ClinVar aggregate classification (germline): Likely benign (1 of 4 stars; one submission).

Conditions:
KCNQ1-related disorder. Also called: KCNQ1-related condition; KCNQ1-related disorders. Identifiers: MedGen CN239322.

Submission:

PreventionGenetics, part of Exact Sciences
Classification: Likely benign for KCNQ1-related condition. Last evaluated: 2025-02-09. Review status: criteria provided, single submitter. Criteria: ACMG Guidelines, 2015. Collection method: clinical testing. Allele origin: germline.
Comment: This variant is classified as likely benign based on ACMG/AMP sequence variant interpretation guidelines (Richards et al. 2015 PMID: 25741868, with internal and published modifications).

NM_000218.3(KCNQ1):c.1393+27591C>G

Genes: KCNQ1 (potassium voltage-gated channel subfamily Q member 1; plus strand), KCNQ1OT1 (KCNQ1 opposite strand/antisense transcript 1; minus strand). Cytogenetic location: 11p15.5.
Variant type: single nucleotide variant.
Coding change: c.1393+27591C>G on transcript NM_000218.3 (MANE Select); 27591 bases into the intron after coding-DNA position 1393, C replaced by G.
Molecular consequence: intron variant. On other transcripts: non-coding transcript variant (1).
Genome position (GRCh38, 1-based): chr11:2,616,445, C>G. VCF-style: chr11-2616445-C-G. GRCh37 (hg19) VCF-style: chr11-2637675-C-G.
Other names: c.1123+27591C>G (NM_001406837.1); c.1297+27591C>G (NM_001406836.1); c.853+27591C>G (NM_001406838.1); c.1012+27591C>G (NM_181798.2).
Identifiers: ClinVar variation 4989385 (VCV004989385.1).
Genomic context (GRCh38, chr11:2,616,445, plus strand): 5'-AATTCAGTTTTATCTCCACTCATACATATTATTTCATTCTCTCTTTTAACTTTAGGTTTA[C>G]TTCGTTCTTCTTTCTCTGGTTACGTAAGGTATAATATTAGGTTATGGATCCTTCTTCTTT-3'